The following is an entry in ClinVar:

ClinVar aggregate classification (germline): Likely benign (1 of 4 stars; one submission).

Conditions:
NLRC4-related disorder. Also called: NLRC4-related condition.

Submission:

PreventionGenetics, part of Exact Sciences
Classification: Likely benign for NLRC4-related condition. Last evaluated: 2026-01-05. Review status: criteria provided, single submitter. Criteria: ACMG Guidelines, 2015. Collection method: clinical testing. Allele origin: germline.
Comment: This variant is classified as likely benign based on ACMG/AMP sequence variant interpretation guidelines (Richards et al. 2015 PMID: 25741868, with internal and published modifications).

NM_001199138.2(NLRC4):c.2257+6G>A

Gene: NLRC4 (NLR family CARD domain containing 4; minus strand). Cytogenetic location: 2p22.3.
Variant type: single nucleotide variant.
Coding change: c.2257+6G>A on transcript NM_001199138.2 (MANE Select); 6 bases into the intron after coding-DNA position 2257, G replaced by A.
Molecular consequence: intron variant.
Genome position (GRCh38, 1-based): chr2:32,249,601, C>T on the plus strand (G>A on the coding strand, the complement: NLRC4 is on the minus strand). VCF-style: chr2-32249601-C-T. GRCh37 (hg19) VCF-style: chr2-32474670-C-T.
Other names: c.262+2818G>A (NM_001302504.1); c.2257+6G>A (NM_021209.4, NM_001199139.1).
Identifiers: ClinVar variation 4989086 (VCV004989086.1).
Genomic context (GRCh38, chr2:32,249,601, plus strand): 5'-TCCAAATTTATACACTGTTATTTTTTTTTAAGTGAACAAAGCACAAACCACTGATATTTA[C>T]AATACCCGGCAGCCGTTGATTCTGTAGGTCATGAATACTCAAGGTTTTCAGGTTTGTTAC-3'